The following is an entry in ClinVar:

ClinVar aggregate classification (germline): Uncertain significance. Review status: criteria provided, multiple submitters, no conflicts (2 of 4 stars). 2 submissions from 2 submitters: Uncertain significance (2). Last evaluated 2025-09-27.

Allele frequency attached by ClinVar (database versions not stated): gnomAD exomes 0.00001; ExAC 0.00003; gnomAD 0.00007; TOPMed 0.00007.
gnomAD v4.1: 22 of 1,613,718 alleles (0.0014%); highest among the groups gnomAD compares: African/African-American, 0.016%; no homozygotes.

Submissions (2):

Labcorp Genetics (formerly Invitae), Labcorp
Classification: Uncertain significance. Last evaluated: 2025-09-27. Review status: criteria provided, single submitter. Criteria: Invitae Variant Classification Sherloc (09022015). Collection method: clinical testing. Allele origin: germline.
Comment: This sequence change replaces isoleucine, which is neutral and non-polar, with threonine, which is neutral and polar, at codon 266 of the SORL1 protein (p.Ile266Thr). This variant is present in population databases (rs771308799, gnomAD 0.03%). This variant has not been reported in the literature in individuals affected with SORL1-related conditions. ClinVar contains an entry for this variant (Variation ID: 2468102). An algorithm developed to predict the effect of missense changes on protein structure and function (PolyPhen-2) suggests that this variant is likely to be tolerated. In summary, the available evidence is currently insufficient to determine the role of this variant in disease. Therefore, it has been classified as a Variant of Uncertain Significance.

Ambry Genetics
Classification: Uncertain significance. Last evaluated: 2023-03-07. Review status: criteria provided, single submitter. Criteria: Ambry Variant Classification Scheme 2023. Collection method: clinical testing. Allele origin: germline.

NM_003105.6(SORL1):c.797T>C (p.Ile266Thr)

Gene: SORL1 (sortilin related receptor 1; plus strand). Cytogenetic location: 11q24.1.
Variant type: single nucleotide variant.
Coding change: c.797T>C on transcript NM_003105.6 (MANE Select); coding-DNA position 797, T replaced by C.
Protein change: p.Ile266Thr; replaces isoleucine 266 with threonine.
Molecular consequence: missense variant.
Genome position (GRCh38, 1-based): chr11:121,496,907, T>C. VCF-style: chr11-121496907-T-C. GRCh37 (hg19) VCF-style: chr11-121367616-T-C.
Other names: short protein forms I266T.
Identifiers: ClinVar variation 2468102 (VCV002468102.3), dbSNP rs771308799, ClinGen allele CA6328477.